The following is an entry in ClinVar:

NM_001003699.4(RREB1):c.5157G>A (p.Pro1719=)

Gene: RREB1 (ras responsive element binding protein 1; plus strand). Cytogenetic location: 6p24.3.
Variant type: single nucleotide variant.
Coding change: c.5157G>A on transcript NM_001003699.4 (MANE Select); coding-DNA position 5157, G replaced by A.
Protein change: p.Pro1719=; no amino-acid change (proline 1719 retained).
Molecular consequence: synonymous variant.
Genome position (GRCh38, 1-based): chr6:7,248,896, G>A. VCF-style: chr6-7248896-G-A. GRCh37 (hg19) VCF-style: chr6-7249129-G-A.
Other names: c.4992G>A, p.Pro1664= (NM_001003698.4, NM_001168344.2); c.4359G>A, p.Pro1453= (NM_001003700.2).
Identifiers: ClinVar variation 3058272 (VCV003058272.2), dbSNP rs564941553, ClinGen allele CA3626650.
Genomic context (GRCh38, chr6:7,248,896, plus strand): 5'-TGGCCAGGGTGACCTTAACCCAGAGAGCCCGGCGGCCCTGGGGCAGGACCTGCTGGAGCC[G>A]CGCAGCAAGAGGCCTGCCCACCCAATCCTGGCCACAGCTGATGGCGCCTCCCAGCTCGTG-3'
Protein context (NP_001003699.1, residues 1709-1729): PAALGQDLLE[Pro1719=]RSKRPAHPIL

ClinVar aggregate classification (germline): Likely benign (0 of 4 stars; one submission).

Conditions:
RREB1-related disorder. Also called: RREB1-related condition.

Allele frequency attached by ClinVar (database versions not stated): gnomAD 0.00005; 1000 Genomes Project 30x 0.00016; ExAC 0.00016; TOPMed 0.00004; 1000 Genomes Project 0.00020.
gnomAD v4.1: 85 of 1,568,186 alleles (0.0054%); highest among the groups gnomAD compares: South Asian, 0.045%; no homozygotes.

Submission:

PreventionGenetics, part of Exact Sciences
Classification: Likely benign for RREB1-related condition. Last evaluated: 2019-03-25. Review status: no assertion criteria provided. Collection method: clinical testing. Allele origin: germline.
Comment: This variant is classified as likely benign based on ACMG/AMP sequence variant interpretation guidelines (Richards et al. 2015 PMID: 25741868, with internal and published modifications).